The following is an entry in ClinVar:

ClinVar aggregate classification (germline): Uncertain significance (1 of 4 stars; one submission).

Conditions:
GATA5-related disorder. Also called: GATA5-related condition.

Submission:

PreventionGenetics, part of Exact Sciences
Classification: Uncertain significance for GATA5-related condition. Last evaluated: 2025-12-16. Review status: criteria provided, single submitter. Criteria: ACMG Guidelines, 2015. Collection method: clinical testing. Allele origin: germline.
Comment: The GATA5 c.430G>A variant is predicted to result in the amino acid substitution p.Ala144Thr. To our knowledge, this variant has not been reported in the literature or in a large population database (gnomAD), indicating this variant is rare. At this time, the clinical significance of this variant is uncertain due to the absence of conclusive functional and genetic evidence.

NM_080473.5(GATA5):c.430G>A (p.Ala144Thr)

Gene: GATA5 (GATA binding protein 5; minus strand). Cytogenetic location: 20q13.33.
Variant type: single nucleotide variant.
Coding change: c.430G>A on transcript NM_080473.5 (MANE Select); coding-DNA position 430, G replaced by A.
Protein change: p.Ala144Thr; replaces alanine 144 with threonine.
Molecular consequence: missense variant.
Genome position (GRCh38, 1-based): chr20:62,475,092, C>T on the plus strand (G>A on the coding strand, the complement: GATA5 is on the minus strand). VCF-style: chr20-62475092-C-T. GRCh37 (hg19) VCF-style: chr20-61050148-C-T.
Other names: short protein forms A144T.
Identifiers: ClinVar variation 4991543 (VCV004991543.1).
Genomic context (GRCh38, chr20:62,475,092, plus strand): 5'-GGACGCTGCCATCGAAGGGCCCGGCAGTCCAGGACTGGGCCACGTCGGGGCTCACGTAGG[C>T]CGGGTAGGTGGCGGAGTACGAGGTCCCCACCGGCCGCCCAAGCGGGGCCGCGAACTGTTC-3'
Protein context (NP_536721.1, residues 134-154): VGTSYSATYP[Ala144Thr]YVSPDVAQSW